The following is an entry in ClinVar:

NM_000089.4(COL1A2):c.412C>T (p.Pro138Ser)

Gene: COL1A2 (collagen type I alpha 2 chain; plus strand). Cytogenetic location: 7q21.3.
Variant type: single nucleotide variant.
Coding change: c.412C>T on transcript NM_000089.4 (MANE Select); coding-DNA position 412, C replaced by T.
Protein change: p.Pro138Ser; replaces proline 138 with serine.
Molecular consequence: missense variant.
Genome position (GRCh38, 1-based): chr7:94,404,872, C>T. VCF-style: chr7-94404872-C-T. GRCh37 (hg19) VCF-style: chr7-94034184-C-T.
Other names: short protein forms P138S.
Identifiers: ClinVar variation 2950629 (VCV002950629.3), dbSNP rs2484700124, ClinGen allele CA368219705.

ClinVar aggregate classification (germline): Uncertain significance (1 of 4 stars; one submission).

Conditions:
Osteogenesis imperfecta type I (OI1). Also called: Lobstein disease; OI, TYPE I; OSTEOGENESIS IMPERFECTA TARDA; OSTEOGENESIS IMPERFECTA WITH BLUE SCLERAE; Osteogenesis imperfecta type 1; Lobstein's Disease. Identifiers: Orphanet 216796, Orphanet 666, MedGen C0023931, MONDO:0008146, OMIM 166200. Disease mechanism: loss of function.
Ehlers-Danlos syndrome, classic type, 1 (EDSCL1). Also called: EDS I; EHLERS-DANLOS SYNDROME, GRAVIS TYPE; EHLERS-DANLOS SYNDROME, SEVERE CLASSIC TYPE; Ehlers-Danlos syndrome, type 1; Ehlers-Danlos Syndrome, Classic Type, COL5A1-Related. Identifiers: MedGen C0268335, MONDO:0019567, OMIM 130000.

Submission:

Labcorp Genetics (formerly Invitae), Labcorp
Classification: Uncertain significance for Osteogenesis imperfecta type I; Ehlers-Danlos syndrome, classic type, 1. Last evaluated: 2023-08-25. Review status: criteria provided, single submitter. Criteria: Invitae Variant Classification Sherloc (09022015). Collection method: clinical testing. Allele origin: germline.
Comment: In summary, the available evidence is currently insufficient to determine the role of this variant in disease. Therefore, it has been classified as a Variant of Uncertain Significance. Advanced modeling of protein sequence and biophysical properties (such as structural, functional, and spatial information, amino acid conservation, physicochemical variation, residue mobility, and thermodynamic stability) performed at Invitae indicates that this missense variant is not expected to disrupt COL1A2 protein function. This variant has not been reported in the literature in individuals affected with COL1A2-related conditions. This variant is not present in population databases (gnomAD no frequency). This sequence change replaces proline, which is neutral and non-polar, with serine, which is neutral and polar, at codon 138 of the COL1A2 protein (p.Pro138Ser).